The following is an entry in ClinVar:

ClinVar aggregate classification (germline): Uncertain significance (1 of 4 stars; one submission).

Submission:

Labcorp Genetics (formerly Invitae), Labcorp
Classification: Uncertain significance. Last evaluated: 2024-08-15. Review status: criteria provided, single submitter. Criteria: Invitae Variant Classification Sherloc (09022015). Collection method: clinical testing. Allele origin: germline.
Comment: This sequence change replaces tyrosine, which is neutral and polar, with aspartic acid, which is acidic and polar, at codon 1047 of the SETBP1 protein (p.Tyr1047Asp). This variant is not present in population databases (gnomAD no frequency). This variant has not been reported in the literature in individuals affected with SETBP1-related conditions. Invitae Evidence Modeling of protein sequence and biophysical properties (such as structural, functional, and spatial information, amino acid conservation, physicochemical variation, residue mobility, and thermodynamic stability) has been performed for this missense variant. However, the output from this modeling did not meet the statistical confidence thresholds required to predict the impact of this variant on SETBP1 protein function. In summary, the available evidence is currently insufficient to determine the role of this variant in disease. Therefore, it has been classified as a Variant of Uncertain Significance.

NM_015559.3(SETBP1):c.3139T>G (p.Tyr1047Asp)

Gene: SETBP1 (SET binding protein 1; plus strand). Cytogenetic location: 18q12.3.
Variant type: single nucleotide variant.
Coding change: c.3139T>G on transcript NM_015559.3 (MANE Select); coding-DNA position 3139, T replaced by G.
Protein change: p.Tyr1047Asp; replaces tyrosine 1047 with aspartic acid.
Molecular consequence: missense variant.
Genome position (GRCh38, 1-based): chr18:44,952,479, T>G. VCF-style: chr18-44952479-T-G. GRCh37 (hg19) VCF-style: chr18-42532444-T-G.
Other names: c.3139T>G, p.Tyr1047Asp (NM_001379141.1, NM_001379142.1, NM_001410862.1); short protein forms Y1047D.
Identifiers: ClinVar variation 3662523 (VCV003662523.2).